The following is an entry in ClinVar:

ClinVar aggregate classification (germline): Likely benign (1 of 4 stars; one submission).

Conditions:
TMEM67-related disorder. Also called: TMEM67-related condition; TMEM67-related disorders. Identifiers: MedGen CN239423.

Submission:

PreventionGenetics, part of Exact Sciences
Classification: Likely benign for TMEM67-related condition. Last evaluated: 2025-09-16. Review status: criteria provided, single submitter. Criteria: ACMG Guidelines, 2015. Collection method: clinical testing. Allele origin: germline.
Comment: This variant is classified as likely benign based on ACMG/AMP sequence variant interpretation guidelines (Richards et al. 2015 PMID: 25741868, with internal and published modifications).

NM_153704.6(TMEM67):c.1575+8T>C

Gene: TMEM67 (transmembrane protein 67; plus strand). Cytogenetic location: 8q22.1.
Variant type: single nucleotide variant.
Coding change: c.1575+8T>C on transcript NM_153704.6 (MANE Select); 8 bases into the intron after coding-DNA position 1575, T replaced by C.
Molecular consequence: intron variant.
Genome position (GRCh38, 1-based): chr8:93,791,327, T>C. VCF-style: chr8-93791327-T-C. GRCh37 (hg19) VCF-style: chr8-94803555-T-C.
Other names: c.1332+8T>C (NM_001142301.1).
Identifiers: ClinVar variation 4993532 (VCV004993532.1).